The following is an entry in ClinVar:

NM_000400.4(ERCC2):c.1725C>T (p.Ala575=)

Gene: ERCC2 (ERCC excision repair 2, TFIIH core complex helicase subunit; minus strand). Cytogenetic location: 19q13.32.
Variant type: single nucleotide variant.
Coding change: c.1725C>T on transcript NM_000400.4 (MANE Select); coding-DNA position 1725, C replaced by T.
Protein change: p.Ala575=; no amino-acid change (alanine 575 retained).
Molecular consequence: synonymous variant.
Genome position (GRCh38, 1-based): chr19:45,353,275, G>A on the plus strand (C>T on the coding strand, the complement: ERCC2 is on the minus strand). VCF-style: chr19-45353275-G-A. GRCh37 (hg19) VCF-style: chr19-45856533-G-A.
Identifiers: ClinVar variation 893765 (VCV000893765.39), dbSNP rs116544270, ClinGen allele CA9513134.

ClinVar aggregate classification (germline): Conflicting classifications of pathogenicity. Review status: criteria provided, conflicting classifications (1 of 4 stars). 6 submissions from 6 submitters: Uncertain significance (1); Benign (1); Likely benign (3). 1 of the submissions does not count toward it. Last evaluated 2026-01-17.

Conditions:
Inborn genetic diseases. Identifiers: MedGen C0950123, MeSH D030342.
Xeroderma pigmentosum, group D (XPD). Also called: XERODERMA PIGMENTOSUM, COMPLEMENTATION GROUP D; XERODERMA PIGMENTOSUM IV; XP, GROUP D; XP, GROUP H; ERCC2-Related Xeroderma Pigmentosum. Identifiers: MedGen C0268138, MONDO:0010212, OMIM 278730.
ERCC2-related disorder. Also called: ERCC2-related disorders; ERCC2-related conditions; ERCC2-related condition. Identifiers: MedGen CN239291.

Allele frequency attached by ClinVar (database versions not stated): gnomAD exomes 0.00008; ExAC 0.00013; 1000 Genomes Project 30x 0.00016; 1000 Genomes Project 0.00020; gnomAD 0.00026 and 0.00027; TOPMed 0.00033; ESP Exome Variant Server 0.00038.
gnomAD v4.1: 196 of 1,613,642 alleles (0.012%); highest among the groups gnomAD compares: African/African-American, 0.072%; 1 homozygote.

Submissions (6):

Labcorp Genetics (formerly Invitae), Labcorp
Classification: Benign. Last evaluated: 2026-01-17. Review status: criteria provided, single submitter. Criteria: Invitae Variant Classification Sherloc (09022015). Collection method: clinical testing. Allele origin: germline.

CeGaT Center for Human Genetics Tuebingen
Classification: Likely benign. Last evaluated: 2024-09-01. Review status: criteria provided, single submitter. Criteria: CeGaT Center For Human Genetics Tuebingen Variant Classification Criteria Version 2. Collection method: clinical testing. Allele origin: germline. Affected: yes. Observed: 2 variant alleles.
Comment: ERCC2: BP4, BP7

Blueprint Genetics
Classification: Likely benign. Last evaluated: 2024-07-30. Review status: criteria provided, single submitter. Criteria: ACMG Guidelines, 2015. Collection method: clinical testing. Allele origin: germline.

Ambry Genetics
Classification: Likely benign for Inborn genetic diseases. Last evaluated: 2022-02-12. Review status: criteria provided, single submitter. Criteria: Ambry Variant Classification Scheme 2023. Collection method: clinical testing. Allele origin: germline.

Illumina Laboratory Services, Illumina
Classification: Uncertain significance for Xeroderma pigmentosum, group D. Last evaluated: 2018-01-13. Review status: criteria provided, single submitter. Criteria: ICSL Variant Classification Criteria 13 December 2019. Collection method: clinical testing. Allele origin: germline.

PreventionGenetics, part of Exact Sciences
Classification: Likely benign for ERCC2-related condition. Last evaluated: 2021-03-25. Review status: no assertion criteria provided. Collection method: clinical testing. Allele origin: germline. Not counted in ClinVar's aggregate classification.
Comment: This variant is classified as likely benign based on ACMG/AMP sequence variant interpretation guidelines (Richards et al. 2015 PMID: 25741868, with internal and published modifications).